The following is an entry in ClinVar:

NM_003482.4(KMT2D):c.49G>A (p.Ala17Thr)

Gene: KMT2D (lysine methyltransferase 2D; minus strand). Cytogenetic location: 12q13.12.
Variant type: single nucleotide variant.
Coding change: c.49G>A on transcript NM_003482.4 (MANE Select); coding-DNA position 49, G replaced by A.
Protein change: p.Ala17Thr; replaces alanine 17 with threonine.
Molecular consequence: missense variant.
Genome position (GRCh38, 1-based): chr12:49,055,276, C>T on the plus strand (G>A on the coding strand, the complement: KMT2D is on the minus strand). VCF-style: chr12-49055276-C-T. GRCh37 (hg19) VCF-style: chr12-49449059-C-T.
Other names: short protein forms A17T.
Identifiers: ClinVar variation 2888775 (VCV002888775.3), dbSNP rs1323918085, ClinGen allele CA384691189.
Genomic context (GRCh38, chr12:49,055,276, plus strand): 5'-ACCAGAAATGTAAGGTTGCCAATGAAATCTAAAAGCAAACAAACAATTTGTCCTACTCAC[C>T]TGCCGGTTCTGAATCTTTATCCTCACCAGCCAGCTTCTGGCTGTCCATCCCTCTCTCCGA-3'
Protein context (NP_003473.3, residues 7-27): AGEDKDSEPA[Ala17Thr]DGPAASEDPS

ClinVar aggregate classification (germline): Uncertain significance (1 of 4 stars; one submission).

Conditions:
Kabuki syndrome. Also called: Kabuki make-up syndrome; NIIKAWA-KUROKI SYNDROME. Identifiers: Orphanet 2322, MedGen C0796004, MONDO:0016512.

Allele frequency attached by ClinVar (database versions not stated): TOPMed below 0.00001.

Submission:

Labcorp Genetics (formerly Invitae), Labcorp
Classification: Uncertain significance for Kabuki syndrome. Last evaluated: 2023-09-19. Review status: criteria provided, single submitter. Criteria: Invitae Variant Classification Sherloc (09022015). Collection method: clinical testing. Allele origin: germline.
Comment: This variant is not present in population databases (gnomAD no frequency). This sequence change replaces alanine, which is neutral and non-polar, with threonine, which is neutral and polar, at codon 17 of the KMT2D protein (p.Ala17Thr). This variant also falls at the last nucleotide of exon 1, which is part of the consensus splice site for this exon. This variant has not been reported in the literature in individuals affected with KMT2D-related conditions. In summary, the available evidence is currently insufficient to determine the role of this variant in disease. Therefore, it has been classified as a Variant of Uncertain Significance. Variants that disrupt the consensus splice site are a relatively common cause of aberrant splicing (PMID: 17576681, 9536098). Experimental studies and prediction algorithms are not available or were not evaluated, and the functional significance of this variant is currently unknown.

Literature cited by the submitters: PubMed 17576681; PubMed 9536098.